The following is an entry in ClinVar:

NM_000017.4(ACADS):c.362_363CT[2] (p.Tyr123fs)

Gene: ACADS (acyl-CoA dehydrogenase short chain; plus strand). Cytogenetic location: 12q24.31.
Variant type: Microsatellite.
Coding change: c.362_363CT[2] on transcript NM_000017.4 (MANE Select).
Protein change: p.Tyr123fs; shifts the reading frame from tyrosine 123.
Molecular consequence: frameshift variant.
Genome position: GRCh38 VCF-style: chr12-120737355-GTC-G. GRCh37 (hg19) VCF-style: chr12-121175158-GTC-G.
Other names: c.366_367del (NM_000017.4); c.362_363CT[2], p.Tyr123fs (NM_001302554.2); short protein forms Y123fs.
Identifiers: ClinVar variation 1453349 (VCV001453349.7), dbSNP rs1433582057, ClinGen allele CA608059794.

ClinVar aggregate classification (germline): Pathogenic/Likely pathogenic. Review status: criteria provided, multiple submitters, no conflicts (2 of 4 stars). 2 submissions from 2 submitters: Pathogenic (1); Likely pathogenic (1). Last evaluated 2024-03-24.

Conditions:
Deficiency of butyryl-CoA dehydrogenase (ACADSD). Also called: SCAD Deficiency; ACADS DEFICIENCY; SCADH DEFICIENCY; Short-Chain Acyl-CoA Dehydrogenase Deficiency; ACYL-CoA DEHYDROGENASE, SHORT-CHAIN, DEFICIENCY OF; SCAD DEFICIENCY, MILD. Identifiers: Orphanet 26792, MedGen C0342783, MONDO:0008722, OMIM 201470. Disease mechanism: May be benign.

Submissions (2):

Fulgent Genetics
Classification: Likely pathogenic for Deficiency of butyryl-CoA dehydrogenase. Last evaluated: 2024-03-24. Review status: criteria provided, single submitter. Criteria: ACMG Guidelines, 2015. Collection method: clinical testing. Allele origin: germline.

Labcorp Genetics (formerly Invitae), Labcorp
Classification: Pathogenic for Deficiency of butyryl-CoA dehydrogenase. Last evaluated: 2021-11-14. Review status: criteria provided, single submitter. Criteria: Invitae Variant Classification Sherloc (09022015). Collection method: clinical testing. Allele origin: germline.
Comment: For these reasons, this variant has been classified as Pathogenic. This sequence change creates a premature translational stop signal (p.Tyr123Profs*24) in the ACADS gene. It is expected to result in an absent or disrupted protein product. Loss-of-function variants in ACADS are known to be pathogenic (PMID: 12736383, 18523805). This variant is present in population databases (no rsID available, gnomAD 0.01%). This premature translational stop signal has been observed in individual(s) with SCAD deficiency (PMID: 22424739).

Literature cited by the submitters: PubMed 12736383 (cited by Labcorp Genetics (formerly Invitae), Labcorp); PubMed 18523805 (cited by Labcorp Genetics (formerly Invitae), Labcorp); PubMed 22424739 (cited by Labcorp Genetics (formerly Invitae), Labcorp).